The following is an entry in ClinVar:

ClinVar aggregate classification (germline): Uncertain significance (1 of 4 stars; one submission).

Submission:

Labcorp Genetics (formerly Invitae), Labcorp
Classification: Uncertain significance. Last evaluated: 2023-08-10. Review status: criteria provided, single submitter. Criteria: Invitae Variant Classification Sherloc (09022015). Collection method: clinical testing. Allele origin: germline.
Comment: This sequence change replaces lysine, which is basic and polar, with threonine, which is neutral and polar, at codon 914 of the ABCA3 protein (p.Lys914Thr). In summary, the available evidence is currently insufficient to determine the role of this variant in disease. Therefore, it has been classified as a Variant of Uncertain Significance. Advanced modeling of protein sequence and biophysical properties (such as structural, functional, and spatial information, amino acid conservation, physicochemical variation, residue mobility, and thermodynamic stability) performed at Invitae indicates that this missense variant is expected to disrupt ABCA3 protein function. ClinVar contains an entry for this variant (Variation ID: 1500682). This variant has not been reported in the literature in individuals affected with ABCA3-related conditions. This variant is not present in population databases (gnomAD no frequency).

NM_001089.3(ABCA3):c.2741A>C (p.Lys914Thr)

Gene: ABCA3 (ATP binding cassette subfamily A member 3; minus strand). Cytogenetic location: 16p13.3.
Variant type: single nucleotide variant.
Coding change: c.2741A>C on transcript NM_001089.3 (MANE Select); coding-DNA position 2741, A replaced by C.
Protein change: p.Lys914Thr; replaces lysine 914 with threonine.
Molecular consequence: missense variant.
Genome position (GRCh38, 1-based): chr16:2,288,289, T>G on the plus strand (A>C on the coding strand, the complement: ABCA3 is on the minus strand). VCF-style: chr16-2288289-T-G. GRCh37 (hg19) VCF-style: chr16-2338290-T-G.
Other names: short protein forms K914T.
Identifiers: ClinVar variation 1500682 (VCV001500682.8), dbSNP rs763862811, ClinGen allele CA394324207.